The following is an entry in ClinVar:

NM_153252.5(BRWD3):c.4384A>G (p.Ser1462Gly)

Gene: BRWD3 (bromodomain and WD repeat domain containing 3; minus strand). Cytogenetic location: Xq21.1.
Variant type: single nucleotide variant.
Coding change: c.4384A>G on transcript NM_153252.5 (MANE Select); coding-DNA position 4384, A replaced by G.
Protein change: p.Ser1462Gly; replaces serine 1462 with glycine.
Molecular consequence: missense variant.
Genome position (GRCh38, 1-based): chrX:80,682,478, T>C on the plus strand (A>G on the coding strand, the complement: BRWD3 is on the minus strand). VCF-style: chrX-80682478-T-C. GRCh37 (hg19) VCF-style: chrX-79937977-T-C.
Other names: c.4384A>G (NM_153252.4); short protein forms S1462G.
Identifiers: ClinVar variation 2143665 (VCV002143665.7), dbSNP rs771767698, ClinGen allele CA10461672.
Genomic context (GRCh38, chrX:80,682,478, plus strand): 5'-TACAAAATGCTTTGAGAACAAAAAATGTTGCATCAATGTAATGATACCTAGGTGCTCCAC[T>C]ACTAGATAATGAACTGCTGCTGCTTCTTAGACGTTTTCTGTACCGTGGCCTTCTCCTCTT-3'
Protein context (NP_694984.5, residues 1452-1472): LRSSSSSLSS[Ser1462Gly]GAPSPKGKQK

ClinVar aggregate classification (germline): Conflicting classifications of pathogenicity. Review status: criteria provided, conflicting classifications (1 of 4 stars). 4 submissions from 4 submitters: Uncertain significance (2); Benign (1); Likely benign (1). Last evaluated 2026-06-01.

Conditions:
Intellectual developmental disorder, X-linked 93. Also called: Intellectual disability, X-linked 93; MENTAL RETARDATION, X-LINKED, WITH MACROCEPHALY. Identifiers: MedGen C1970841, MONDO:0010393, OMIM 300659.

Allele frequency attached by ClinVar (database versions not stated): gnomAD 0.00001; gnomAD exomes 0.00001; ExAC 0.00005; 1000 Genomes Project 30x 0.00021; 1000 Genomes Project 0.00026.

Submissions (4):

CeGaT Center for Human Genetics Tuebingen
Classification: Likely benign. Last evaluated: 2026-06-01. Review status: criteria provided, single submitter. Criteria: CeGaT Center For Human Genetics Tuebingen Variant Classification Criteria Version 2. Collection method: clinical testing. Allele origin: germline. Affected: yes. Observed: 2 variant alleles.
Comment: BRWD3: BP4, BS2

Labcorp Genetics (formerly Invitae), Labcorp
Classification: Benign. Last evaluated: 2024-11-20. Review status: criteria provided, single submitter. Criteria: Invitae Variant Classification Sherloc (09022015). Collection method: clinical testing. Allele origin: germline.

Women's Health and Genetics/Laboratory Corporation of America, LabCorp
Classification: Uncertain significance. Last evaluated: 2023-02-24. Review status: criteria provided, single submitter. Criteria: LabCorp Variant Classification Summary - May 2015. Collection method: clinical testing. Allele origin: germline.
Comment: Variant summary: BRWD3 c.4384A>G (p.Ser1462Gly) results in a non-conservative amino acid change in the encoded protein sequence. Two of four in-silico tools predict a benign effect of the variant on protein function. The variant allele was found at a frequency of 2.7e-05 in 183156 control chromosomes. The available data on variant occurrences in the general population are insufficient to allow any conclusion about variant significance. To our knowledge, no occurrence of c.4384A>G in individuals affected with Intellectual Disability, X-Linked 93 and no experimental evidence demonstrating its impact on protein function have been reported. One clinical diagnostic laboratory has submitted clinical-significance assessments for this variant to ClinVar after 2014 without evidence for independent evaluation and classified the variant as uncertain significance. Based on the evidence outlined above, the variant was classified as uncertain significance.

Illumina Laboratory Services, Illumina
Classification: Uncertain significance for Intellectual developmental disorder, X-linked 93. Last evaluated: 2020-04-14. Review status: criteria provided, single submitter. Criteria: ICSLVariantClassificationCriteria RUGD 01 April 2020. Collection method: clinical testing. Allele origin: unknown.
Comment: The BRWD3 c.4384A>G p.(Ser1462Gly) missense variant is a missense variant. To our knowledge, this variant has not been reported in the peer-reviewed literature. The highest frequency of this allele in the Genome Aggregation Database is 0.000037 in the European (non-Finnish) population (version 2.1.1). Based on the limited evidence, the c.4384A>G p.(Ser1462Gly) variant is classified as a variant of uncertain significance for intellectual development disorder.